The following is an entry in ClinVar:

ClinVar aggregate classification (germline): Pathogenic (3 of 4 stars; one submission).

Conditions:
Open-angle glaucoma. Identifiers: MedGen C0017612, MONDO:0005338, HP:0012108.

Allele frequency attached by ClinVar (database versions not stated): gnomAD exomes below 0.00001.
gnomAD v4.1: 1 of 1,614,068 alleles (0.000062%); highest among the groups gnomAD compares: Non-Finnish European, 0.000085%; no homozygotes.

Submission:

ClinGen Glaucoma Variant Curation Expert Panel
Classification: Pathogenic for Open-angle glaucoma. Last evaluated: 2026-01-12. Review status: reviewed by expert panel. Criteria: ClinGen Glaucoma ACMG Specifications V2.0.0 Approved. Collection method: curation. Allele origin: germline. Inheritance: Autosomal dominant inheritance.
Comment: The c.1139A>C variant in MYOC is a missense variant predicted to cause substitution of Aspartic Acid by Alanine at amino acid 380 (p.Asp380Ala). The highest minor allele frequency of this variant was in the European (non-Finnish) genetic ancestry group of gnomAD (v4.1.0) = 0.00000085 (1 allele out of 1,179,992), which met the ≤ 0.0001 threshold set for PM2_Supporting in a genetic ancestry group of at least 10,000 alleles. The REVEL score = 0.97, which met the ≥ 0.932 threshold for PP3_Strong, predicting a damaging effect on MYOC function. The Asp380Ala protein had increased insolubility, instability and reduced secretion levels compared to wild type myocilin protein in these studies (PMIDs: 20334347, 21612213, 23129764, 16466712). The assays met the OddsPath threshold for PS3_Moderate (> 4.3), indicating that this variant did impact protein function. This protein has also been assessed in these other studies (PMIDs: 15069026, 24333014), however, the same level of evidence was not met. 31 segregations in 6 families, with juvenile or primary open angle glaucoma (JOAG or POAG), have been reported (PMIDs: 17893668, 9863594, 9832047), which fulfilled PP1_Strong (≥ 7 meioses in > 1 family). 7 probands with JOAG or POAG have been reported carrying this variant (PMIDs: 17893668, 9863594, 9832047), which met PS4_Moderate (≥ 6 probands). Two other missense variants (c.1138G>C, p.Asp380His, Grantham score = 81, ClinVar ID: 7961 and c.1139A>G, p.Asp380Gly Grantham score = 94, ClinVar ID: 1342964) in the same codon have been classified as likely pathogenic for juvenile open angle glaucoma by the ClinGen Glaucoma VCEP. The c.1139A>C, p.Asp380Ala variant has a higher Grantham score (= 126) than the previously classified amino acid changes, was not predicted to affect splicing as assessed with SpliceAI (≤ 0.2), and met PP3, meeting the conditions for PM5 to apply. In summary, this variant met the criteria to receive a score of 14 and to be classified as pathogenic (pathogenic classification ≥ 10, adapted from PMID: 32720330) for juvenile open angle glaucoma based on the ACMG/AMP criteria met, as specified by the ClinGen Glaucoma VCEP (v2.0.0, 5 Dec 2024): PP1_Strong, PP3_Strong, PS3_Moderate, PS4_Moderate, PM5, PM2_Supporting (PP3 and PM5 capped at 5 points).

Literature cited by the submitters: PubMed 15069026; PubMed 21612213; PubMed 24333014; PubMed 10545602; PubMed 16297911; PubMed 23129764; PubMed 16466712; PubMed 20334347; PubMed 25524706.

NM_000261.2(MYOC):c.1139A>C (p.Asp380Ala)

Gene: MYOC (myocilin; minus strand). Cytogenetic location: 1q24.3.
Variant type: single nucleotide variant.
Coding change: c.1139A>C on transcript NM_000261.2 (MANE Select); coding-DNA position 1139, A replaced by C.
Protein change: p.Asp380Ala; replaces aspartic acid 380 with alanine.
Molecular consequence: missense variant.
Genome position (GRCh38, 1-based): chr1:171,636,301, T>G on the plus strand (A>C on the coding strand, the complement: MYOC is on the minus strand). VCF-style: chr1-171636301-T-G. GRCh37 (hg19) VCF-style: chr1-171605441-T-G.
Other names: NM_000261.2:c.1139A>C; short protein forms D380A.
Identifiers: ClinVar variation 1342203 (VCV001342203.5), dbSNP rs2102944632, ClinGen allele CA343724571.